The following is an entry in ClinVar:

NM_001220.5(CAMK2B):c.581_582delinsTC (p.Pro194Leu)

Gene: CAMK2B (calcium/calmodulin dependent protein kinase II beta; minus strand). Cytogenetic location: 7p13.
Variant type: Indel.
Coding change: c.581_582delinsTC on transcript NM_001220.5 (MANE Select); coding-DNA positions 581 to 582, CT replaced by TC.
Protein change: p.Pro194Leu; replaces proline 194 with leucine.
Molecular consequence: missense variant.
Genome position (GRCh38, 1-based): chr7:44,243,269-44,243,270, AG replaced by GA on the plus strand (CT replaced by TC on the coding strand, the reverse complement: CAMK2B is on the minus strand). VCF-style: chr7-44243269-AG-GA. GRCh37 (hg19) VCF-style: chr7-44282868-AG-GA.
Other names: c.581_582delinsTC (NM_001220.4); c.581_582delinsTC, p.Pro194Leu (NM_001293170.2, NM_172078.3, NM_172079.3 and 5 more transcripts); short protein forms P194L.
Identifiers: ClinVar variation 3687304 (VCV003687304.3).

ClinVar aggregate classification (germline): Uncertain significance. Review status: criteria provided, multiple submitters, no conflicts (2 of 4 stars). 2 submissions from 2 submitters: Uncertain significance (2). Last evaluated 2024-12-31.

Submissions (2):

GeneDx
Classification: Uncertain significance. Last evaluated: 2024-12-31. Review status: criteria provided, single submitter. Criteria: GeneDx Variant Classification Process June 2021. Collection method: clinical testing. Allele origin: germline. Affected: yes.
Comment: Not observed at significant frequency in large population cohorts (gnomAD); In silico analysis supports a deleterious effect on protein structure/function; Has not been previously published as pathogenic or benign to our knowledge

Labcorp Genetics (formerly Invitae), Labcorp
Classification: Uncertain significance. Last evaluated: 2024-02-14. Review status: criteria provided, single submitter. Criteria: Invitae Variant Classification Sherloc (09022015). Collection method: clinical testing. Allele origin: germline.
Comment: This sequence change replaces proline, which is neutral and non-polar, with leucine, which is neutral and non-polar, at codon 194 of the CAMK2B protein (p.Pro194Leu). Information on the frequency of this variant in the gnomAD database is not available, as this variant may be reported differently in the database. This variant has not been reported in the literature in individuals affected with CAMK2B-related conditions. An algorithm developed to predict the effect of missense changes on protein structure and function (PolyPhen-2) suggests that this variant is likely to be disruptive. In summary, the available evidence is currently insufficient to determine the role of this variant in disease. Therefore, it has been classified as a Variant of Uncertain Significance.